The following is an entry in ClinVar:

ClinVar aggregate classification (germline): Conflicting classifications of pathogenicity. Review status: criteria provided, conflicting classifications (1 of 4 stars). 4 submissions from 4 submitters: Uncertain significance (1); Likely benign (2). 1 of the submissions does not count toward it. Last evaluated 2026-01-26.

Conditions:
Tumor predisposition syndrome 3 (TPDS3). Also called: Glioma susceptibility 9; LONG TELOMERE SYNDROME, POT1-RELATED; POT1 Tumor Predisposition; Melanoma, cutaneous malignant, susceptibility to, 10. Identifiers: Orphanet 618, MedGen C4014476, MONDO:0014368, OMIM 615848.
POT1-related disorder. Also called: POT1-related condition.

gnomAD v4.1: 12 of 1,526,144 alleles (0.00079%); highest among the groups gnomAD compares: East Asian, 0.0023%; no homozygotes.

Submissions (4):

Labcorp Genetics (formerly Invitae), Labcorp
Classification: Likely benign for Tumor predisposition syndrome 3. Last evaluated: 2026-01-26. Review status: criteria provided, single submitter. Criteria: Invitae Variant Classification Sherloc (09022015). Collection method: clinical testing. Allele origin: germline.

Quest Diagnostics Nichols Institute San Juan Capistrano
Classification: Uncertain significance. Last evaluated: 2024-10-21. Review status: criteria provided, single submitter. Criteria: Quest Diagnostics criteria. Collection method: clinical testing. Allele origin: unknown.
Comment: The POT1 c.1007-8C>T variant has not been reported in individuals with POT1-related conditions in the published literature. It also has not been reported in large, multi-ethnic general populations (Genome Aggregation Database). Analysis of this variant using software algorithms for the prediction of the effect of nucleotide changes on splicing yielded predictions that this variant does not affect POT1 mRNA splicing. Based on the available information, we are unable to determine the clinical significance of this variant.

GeneDx
Classification: Likely benign. Last evaluated: 2021-03-25. Review status: criteria provided, single submitter. Criteria: GeneDx Variant Classification Process June 2021. Collection method: clinical testing. Allele origin: germline. Affected: yes.

PreventionGenetics, part of Exact Sciences
Classification: Likely benign for POT1-related condition. Last evaluated: 2022-06-27. Review status: no assertion criteria provided. Collection method: clinical testing. Allele origin: germline. Not counted in ClinVar's aggregate classification.
Comment: This variant is classified as likely benign based on ACMG/AMP sequence variant interpretation guidelines (Richards et al. 2015 PMID: 25741868, with internal and published modifications).

NM_015450.3(POT1):c.1007-8C>T

Gene: POT1 (protection of telomeres 1; minus strand). Cytogenetic location: 7q31.33.
Variant type: single nucleotide variant.
Coding change: c.1007-8C>T on transcript NM_015450.3 (MANE Select); 8 bases into the intron before coding-DNA position 1007, C replaced by T.
Molecular consequence: intron variant.
Genome position (GRCh38, 1-based): chr7:124,842,971, G>A on the plus strand (C>T on the coding strand, the complement: POT1 is on the minus strand). VCF-style: chr7-124842971-G-A. GRCh37 (hg19) VCF-style: chr7-124483025-G-A.
Other names: c.614-8C>T (NM_001042594.2).
Identifiers: ClinVar variation 541890 (VCV000541890.16), dbSNP rs375482256, ClinGen allele CA166105767.
Genomic context (GRCh38, chr7:124,842,971, plus strand): 5'-TTTCAAAATGGCACATAGTGGTGTCCTCTCCAAATACTGATGATCTGTAAGTACTGTAAA[G>A]AATTTTTATATTCAATCAGAATAACAAGAATCATATTTATGACATGCATCCTCCTGAACC-3'